The following is an entry in ClinVar:

ClinVar aggregate classification (germline): Pathogenic. Review status: reviewed by expert panel (3 of 4 stars). 3 submissions from 3 submitters: Pathogenic (1). 2 of the submissions do not count toward it. Last evaluated 2022-06-12.

Conditions:
Phenylketonuria (PKU). Also called: Phenylketonuria (PKU); FOLLING DISEASE; OLIGOPHRENIA PHENYLPYRUVICA; Phenylketonurias. Identifiers: Orphanet 716, MedGen C0031485, MONDO:0009861, OMIM 261600. Disease mechanism: loss of function.

Submissions (3):

ClinGen PAH Variant Curation Expert Panel
Classification: Pathogenic for Phenylketonuria. Last evaluated: 2022-06-12. Review status: reviewed by expert panel. Criteria: ClinGen PAH ACMG Specifications v1. Collection method: curation. Allele origin: germline. Inheritance: Autosomal recessive inheritance.
Comment: The c.1006C>T (p.Gln336Ter) nonsense variant occurs in exon 10 of 13 and is predicted to result in NMD. It absent from population databases, including gnomAD. It has been reported in at least one patient with cPKU (PMID: 23764561), compound heterozygous with R408W (ClinVar 577 Pathogenic, reviewed by PAH VCEP). In summary, this variant meets criteria to be classified as pathogenic for PAH. PAH-specific ACMG/AMP criteria applied: PVS1, PM2, PM3_supporting, PP4.

Natera, Inc.
Classification: Pathogenic for Phenylketonuria. Last evaluated: 2025-05-12. Review status: criteria provided, single submitter. Criteria: Natera Variant Classification Schema (03/2026). Collection method: clinical testing. Allele origin: germline. Not counted in ClinVar's aggregate classification.
Comment: The c.1006C>T variant in PAH is a nonsense variant predicted to introduce a stop codon at amino acid 336. This variant is expected to result in nonsense mediated decay, truncation, or a dysfunctional protein product. This variant is rare in the general population with a frequency below the threshold expected for the associated phenotype(s). This variant has been observed in one or more individuals affected with the associated recessive disease, as either homozygous or compound heterozygous with a second variant (PMID: 26542770, 23764561). Given the available evidence, this variant is classified as Pathogenic.

DeBelle Laboratory for Biochemical Genetics, MUHC/MCH RESEARCH INSTITUTE
No classification provided. Review status: no classification provided. Collection method: not provided. Allele origin: not provided. Not counted in ClinVar's aggregate classification.

Literature cited by the submitters: PubMed 26542770 (cited by Natera, Inc.); PubMed 23764561 (cited by Natera, Inc.).

NM_000277.3(PAH):c.1006C>T (p.Gln336Ter)

Gene: PAH (phenylalanine hydroxylase; minus strand). Cytogenetic location: 12q23.2.
Variant type: single nucleotide variant.
Coding change: c.1006C>T on transcript NM_000277.3 (MANE Select); coding-DNA position 1006, C replaced by T.
Protein change: p.Gln336Ter; replaces glutamine 336 with a stop codon.
Molecular consequence: nonsense.
Genome position (GRCh38, 1-based): chr12:102,844,395, G>A on the plus strand (C>T on the coding strand, the complement: PAH is on the minus strand). VCF-style: chr12-102844395-G-A. GRCh37 (hg19) VCF-style: chr12-103238173-G-A.
Other names: NM_000277.3(PAH):c.1006C>T; p.Gln336Ter; c.1006C>T, p.Gln336Ter (NM_001354304.2); c.1006C>T (NM_000277.2); short protein forms Q336*.
Identifiers: ClinVar variation 102465 (VCV000102465.4), dbSNP rs62516061, ClinGen allele CA229264.